The following is an entry in ClinVar:

NM_001332.4(CTNND2):c.1428C>T (p.His476=)

Gene: CTNND2 (catenin delta 2; minus strand). Cytogenetic location: 5p15.2.
Variant type: single nucleotide variant.
Coding change: c.1428C>T on transcript NM_001332.4 (MANE Select); coding-DNA position 1428, C replaced by T.
Protein change: p.His476=; no amino-acid change (histidine 476 retained).
Molecular consequence: synonymous variant. On other transcripts: non-coding transcript variant (1).
Genome position (GRCh38, 1-based): chr5:11,346,572, G>A on the plus strand (C>T on the coding strand, the complement: CTNND2 is on the minus strand). VCF-style: chr5-11346572-G-A. GRCh37 (hg19) VCF-style: chr5-11346684-G-A.
Other names: c.1428C>T (NM_001332.2); c.1155C>T, p.His385= (NM_001288715.1); c.417C>T, p.His139= (NM_001288716.1, NM_001364128.2); c.129C>T, p.His43= (NM_001288717.2).
Identifiers: ClinVar variation 3026005 (VCV003026005.23), dbSNP rs771436418, ClinGen allele CA3200870.

ClinVar aggregate classification (germline): Likely benign. Review status: criteria provided, multiple submitters, no conflicts (2 of 4 stars). 2 submissions from 2 submitters: Likely benign (2). Last evaluated 2026-04-21.

Conditions:
Inborn genetic diseases. Identifiers: MedGen C0950123, MeSH D030342.

Allele frequency attached by ClinVar (database versions not stated): ExAC 0.00002; TOPMed 0.00003.
gnomAD v4.1: 38 of 1,597,254 alleles (0.0024%); highest among the groups gnomAD compares: Non-Finnish European, 0.0028%; no homozygotes.

Submissions (2):

Ambry Genetics
Classification: Likely benign for Inborn genetic diseases. Last evaluated: 2026-04-21. Review status: criteria provided, single submitter. Criteria: Ambry Variant Classification Scheme 2023. Collection method: clinical testing. Allele origin: germline.

CeGaT Center for Human Genetics Tuebingen
Classification: Likely benign. Last evaluated: 2023-12-01. Review status: criteria provided, single submitter. Criteria: CeGaT Center For Human Genetics Tuebingen Variant Classification Criteria Version 2. Collection method: clinical testing. Allele origin: germline. Affected: yes. Observed: 1 variant allele.
Comment: CTNND2: BP4, BP7